The following is an entry in ClinVar:

NM_001903.5(CTNNA1):c.26T>C (p.Ile9Thr)

Gene: CTNNA1 (catenin alpha 1; plus strand). Cytogenetic location: 5q31.2.
Variant type: single nucleotide variant.
Coding change: c.26T>C on transcript NM_001903.5 (MANE Select); coding-DNA position 26, T replaced by C.
Protein change: p.Ile9Thr; replaces isoleucine 9 with threonine.
Molecular consequence: missense variant. On other transcripts: 5 prime UTR variant (2).
Genome position (GRCh38, 1-based): chr5:138,781,950, T>C. VCF-style: chr5-138781950-T-C. GRCh37 (hg19) VCF-style: chr5-138117639-T-C.
Other names: c.26T>C (NM_001903.2); c.26T>C, p.Ile9Thr (NM_001290307.3, NM_001323982.2, NM_001323983.1 and 3 more transcripts); c.-88T>C (NM_001290309.3); c.-181T>C (NM_001290310.3); short protein forms I9T.
Identifiers: ClinVar variation 1004810 (VCV001004810.10), dbSNP rs1292323689, ClinGen allele CA361477070.

ClinVar aggregate classification (germline): Uncertain significance. Review status: criteria provided, multiple submitters, no conflicts (2 of 4 stars). 2 submissions from 2 submitters: Uncertain significance (2). Last evaluated 2026-06-03.

Conditions:
Hereditary cancer-predisposing syndrome. Also called: Hereditary neoplastic syndrome; Neoplastic Syndromes, Hereditary; Tumor predisposition; Hereditary Cancer Syndrome. Identifiers: Orphanet 140162, MedGen C0027672, MeSH D009386, MONDO:0015356.

Allele frequency attached by ClinVar (database versions not stated): TOPMed below 0.00001; gnomAD 0.00001.
gnomAD v4.1: 1 of 1,596,768 alleles (0.000063%); highest among the groups gnomAD compares: Admixed American, 0.0019%; no homozygotes.

Submissions (2):

Ambry Genetics
Classification: Uncertain significance for Hereditary cancer-predisposing syndrome. Last evaluated: 2026-06-03. Review status: criteria provided, single submitter. Criteria: Ambry Variant Classification Scheme 2023. Collection method: clinical testing. Allele origin: germline.

Labcorp Genetics (formerly Invitae), Labcorp
Classification: Uncertain significance. Last evaluated: 2024-08-01. Review status: criteria provided, single submitter. Criteria: Invitae Variant Classification Sherloc (09022015). Collection method: clinical testing. Allele origin: germline.
Comment: This sequence change replaces isoleucine, which is neutral and non-polar, with threonine, which is neutral and polar, at codon 9 of the CTNNA1 protein (p.Ile9Thr). This variant is not present in population databases (gnomAD no frequency). This variant has not been reported in the literature in individuals affected with CTNNA1-related conditions. ClinVar contains an entry for this variant (Variation ID: 1004810). Advanced modeling of protein sequence and biophysical properties (such as structural, functional, and spatial information, amino acid conservation, physicochemical variation, residue mobility, and thermodynamic stability) performed at Invitae indicates that this missense variant is not expected to disrupt CTNNA1 protein function with a negative predictive value of 80%. In summary, the available evidence is currently insufficient to determine the role of this variant in disease. Therefore, it has been classified as a Variant of Uncertain Significance.